The following is an entry in ClinVar:

ClinVar aggregate classification (germline): Pathogenic/Likely pathogenic. Review status: criteria provided, multiple submitters, no conflicts (2 of 4 stars). 3 submissions from 3 submitters: Pathogenic (2); Likely pathogenic (1). Last evaluated 2024-07-24.

Conditions:
Peroxisome biogenesis disorder. Identifiers: Orphanet 79189, MedGen C1832200, MONDO:0019234. Disease mechanism: loss of function.
Zellweger spectrum disorders (ZS). Also called: Zellweger Spectrum Disorder (ZSD); Zellweger Spectrum Disorder; Zellweger Spectrum; Zellweger syndrome. Identifiers: Orphanet 912, MedGen C0043459, MONDO:0019609.

Submissions (3):

Natera, Inc.
Classification: Likely pathogenic for Zellweger syndrome. Last evaluated: 2024-07-24. Review status: criteria provided, single submitter. Criteria: Natera Variant Classification Schema (03/2026). Collection method: clinical testing. Allele origin: germline.
Comment: The c.909del variant in PEX6 is a frameshift variant predicted to shift the reading frame beginning at codon 304 and leads to a stop codon 47 codons downstream. This variant is expected to result in nonsense mediated decay, truncation, or a dysfunctional protein product. This variant is rare in the general population with a frequency below the threshold expected for the associated phenotype(s). Given the available evidence, this variant is classified as Likely Pathogenic.

Myriad Genetics, Inc.
Classification: Pathogenic for Peroxisome biogenesis disorder. Last evaluated: 2024-06-29. Review status: criteria provided, single submitter. Criteria: Myriad Autosomal Dominant, Autosomal Recessive and X-Linked Classification Criteria (2023). Collection method: clinical testing. Allele origin: unknown.
Comment: NM_000287.3(PEX6):c.909delT(E304Kfs*47) is expected to be pathogenic in the context of peroxisome biogenesis disorder type 4. This variant is predicted to lead to an abnormal or absent protein product due to the creation of a premature termination codon in PEX6, a gene where loss-of-function variants are known to be pathogenic. Please note: this variant was assessed in the context of healthy population screening.

Labcorp Genetics (formerly Invitae), Labcorp
Classification: Pathogenic for Peroxisome biogenesis disorder. Last evaluated: 2022-10-17. Review status: criteria provided, single submitter. Criteria: Invitae Variant Classification Sherloc (09022015). Collection method: clinical testing. Allele origin: germline.
Comment: This sequence change creates a premature translational stop signal (p.Glu304Lysfs*47) in the PEX6 gene. It is expected to result in an absent or disrupted protein product. Loss-of-function variants in PEX6 are known to be pathogenic (PMID: 8670792, 19877282, 21031596). This variant is not present in population databases (gnomAD no frequency). This variant has not been reported in the literature in individuals affected with PEX6-related conditions. For these reasons, this variant has been classified as Pathogenic.

Literature cited by the submitters: PubMed 8670792 (cited by Labcorp Genetics (formerly Invitae), Labcorp); PubMed 19877282 (cited by Labcorp Genetics (formerly Invitae), Labcorp); PubMed 21031596 (cited by Labcorp Genetics (formerly Invitae), Labcorp).

NM_000287.4(PEX6):c.909del (p.Glu304fs)

Gene: PEX6 (peroxisomal biogenesis factor 6; minus strand). Cytogenetic location: 6p21.1.
Variant type: Deletion.
Coding change: c.909del on transcript NM_000287.4 (MANE Select); coding-DNA position 909, one base deleted (T; older notation c.909delT).
Protein change: p.Glu304fs; shifts the reading frame from glutamic acid 304.
Molecular consequence: frameshift variant. On other transcripts: non-coding transcript variant (1).
Genome position (GRCh38, 1-based): chr6:42,975,012, A deleted on the plus strand (T on the coding strand, the reverse complement: PEX6 is on the minus strand). VCF-style (leftmost placement, unchanged base first): chr6-42975011-CA-C. GRCh37 (hg19) VCF-style: chr6-42942749-CA-C.
Other names: c.909del (NM_000287.3); c.645del, p.Glu216fs (NM_001316313.2); short protein forms E304fs, E216fs.
Identifiers: ClinVar variation 1999557 (VCV001999557.6), dbSNP rs2481258763, ClinGen allele CA2580074618.